The following is an entry in ClinVar:

NM_001122630.2(CDKN1C):c.4G>A (p.Glu2Lys)

Gene: CDKN1C (cyclin dependent kinase inhibitor 1C; minus strand). Cytogenetic location: 11p15.4.
Variant type: single nucleotide variant.
Coding change: c.4G>A on transcript NM_001122630.2 (MANE Select); coding-DNA position 4, G replaced by A.
Protein change: p.Glu2Lys; replaces glutamic acid 2 with lysine.
Molecular consequence: missense variant.
Genome position (GRCh38, 1-based): chr11:2,885,453, C>T on the plus strand (G>A on the coding strand, the complement: CDKN1C is on the minus strand). VCF-style: chr11-2885453-C-T. GRCh37 (hg19) VCF-style: chr11-2906683-C-T.
Other names: c.37G>A, p.Glu13Lys (NM_001362474.2, NM_000076.2); c.4G>A, p.Glu2Lys (NM_001362475.2, NM_001122631.2); short protein forms E2K, E13K.
Identifiers: ClinVar variation 1395828 (VCV001395828.6), dbSNP rs2133786658, ClinGen allele CA379147979.

ClinVar aggregate classification (germline): Uncertain significance (1 of 4 stars; one submission).

Conditions:
Beckwith-Wiedemann syndrome (BWS). Also called: EMG SYNDROME; Exomphalos macroglossia gigantism syndrome. Identifiers: Orphanet 116, MedGen C0004903, MONDO:0007534, OMIM 130650.

Submission:

Labcorp Genetics (formerly Invitae), Labcorp
Classification: Uncertain significance for Beckwith-Wiedemann syndrome. Last evaluated: 2021-11-30. Review status: criteria provided, single submitter. Criteria: Invitae Variant Classification Sherloc (09022015). Collection method: clinical testing. Allele origin: germline.
Comment: In summary, the available evidence is currently insufficient to determine the role of this variant in disease. Therefore, it has been classified as a Variant of Uncertain Significance. Algorithms developed to predict the effect of missense changes on protein structure and function are either unavailable or do not agree on the potential impact of this missense change (SIFT: "Tolerated"; PolyPhen-2: "Possibly Damaging"; Align-GVGD: "Class C0"). This variant has not been reported in the literature in individuals affected with CDKN1C-related conditions. This variant is not present in population databases (gnomAD no frequency). This sequence change replaces glutamic acid, which is acidic and polar, with lysine, which is basic and polar, at codon 13 of the CDKN1C protein (p.Glu13Lys).